The following is an entry in ClinVar:

ClinVar aggregate classification (germline): Uncertain significance. Review status: criteria provided, multiple submitters, no conflicts (2 of 4 stars). 6 submissions from 5 submitters: Uncertain significance (5). 1 of the submissions does not count toward it. Last evaluated 2024-07-30.

Conditions:
Inborn genetic diseases. Identifiers: MedGen C0950123, MeSH D030342.
Congenital myasthenic syndrome 11. Also called: MYASTHENIC SYNDROME, CONGENITAL, Ie; Myasthenic syndrome, congenital, 11, associated with acetylcholine receptor deficiency. Identifiers: Orphanet 590, MedGen C4225367, MONDO:0014588, OMIM 616326.
Congenital myasthenic syndrome (CMS). Also called: Congenital Myasthenic Syndromes. Identifiers: Orphanet 590, MedGen C0751882, MeSH D020294, MONDO:0018940.
Fetal akinesia deformation sequence 1 (FADS1). Also called: Pena-Shokeir syndrome type I; Fetal akinesia sequence. Identifiers: Orphanet 994, MedGen C1276035, MONDO:0100101, OMIM 208150, HP:0001989.

Allele frequency attached by ClinVar (database versions not stated): gnomAD exomes 0.00002 and 0.00006; ExAC 0.00003; gnomAD 0.00005; TOPMed 0.00005.
gnomAD v4.1: 102 of 1,611,276 alleles (0.0063%); highest among the groups gnomAD compares: Non-Finnish European, 0.008%; no homozygotes.

Submissions (6):

Ambry Genetics
Classification: Uncertain significance for Inborn genetic diseases. Last evaluated: 2024-07-30. Review status: criteria provided, single submitter. Criteria: Ambry Variant Classification Scheme 2023. Collection method: clinical testing. Allele origin: germline.

Labcorp Genetics (formerly Invitae), Labcorp
Classification: Uncertain significance for Congenital myasthenic syndrome 11; Fetal akinesia deformation sequence 1. Last evaluated: 2022-02-05. Review status: criteria provided, single submitter. Criteria: Invitae Variant Classification Sherloc (09022015). Collection method: clinical testing. Allele origin: germline.
Comment: This sequence change replaces valine, which is neutral and non-polar, with isoleucine, which is neutral and non-polar, at codon 68 of the RAPSN protein (p.Val68Ile). This variant is present in population databases (rs200892332, gnomAD 0.004%). This variant has not been reported in the literature in individuals affected with RAPSN-related conditions. ClinVar contains an entry for this variant (Variation ID: 880473). Advanced modeling of protein sequence and biophysical properties (such as structural, functional, and spatial information, amino acid conservation, physicochemical variation, residue mobility, and thermodynamic stability) performed at Invitae indicates that this missense variant is expected to disrupt RAPSN protein function. In summary, the available evidence is currently insufficient to determine the role of this variant in disease. Therefore, it has been classified as a Variant of Uncertain Significance.

Revvity Omics, Revvity
Classification: Uncertain significance. Last evaluated: 2021-10-25. Review status: criteria provided, single submitter. Criteria: ACMG Guidelines, 2015. Collection method: clinical testing. Allele origin: germline.

Illumina Laboratory Services, Illumina
Classification: Uncertain significance for Congenital myasthenic syndrome 11. Last evaluated: 2018-01-13. Review status: criteria provided, single submitter. Criteria: ICSL Variant Classification Criteria 13 December 2019. Collection method: clinical testing. Allele origin: germline.

Illumina Laboratory Services, Illumina
Classification: Uncertain significance for Fetal akinesia deformation sequence 1. Last evaluated: 2018-01-13. Review status: criteria provided, single submitter. Criteria: ICSL Variant Classification Criteria 13 December 2019. Collection method: clinical testing. Allele origin: germline.

Natera, Inc.
Classification: Uncertain significance for Congenital myasthenic syndrome. Last evaluated: 2020-04-14. Review status: no assertion criteria provided. Collection method: clinical testing. Allele origin: germline. Not counted in ClinVar's aggregate classification.

NM_005055.5(RAPSN):c.202G>A (p.Val68Ile)

Gene: RAPSN (receptor associated protein of the synapse; minus strand). Cytogenetic location: 11p11.2.
Variant type: single nucleotide variant.
Coding change: c.202G>A on transcript NM_005055.5 (MANE Select); coding-DNA position 202, G replaced by A.
Protein change: p.Val68Ile; replaces valine 68 with isoleucine.
Molecular consequence: missense variant.
Genome position (GRCh38, 1-based): chr11:47,448,141, C>T on the plus strand (G>A on the coding strand, the complement: RAPSN is on the minus strand). VCF-style: chr11-47448141-C-T. GRCh37 (hg19) VCF-style: chr11-47469693-C-T.
Other names: c.202G>A, p.Val68Ile (NM_032645.5); short protein forms V68I.
Identifiers: ClinVar variation 880473 (VCV000880473.9), dbSNP rs200892332, ClinGen allele CA5976786.
Genomic context (GRCh38, chr11:47,448,141, plus strand): 5'-TCAGGTAGCTCTCCAGGAGGAAGTCGGCATCCTCCAGCTCCCGGGCCGTGTCGATCTGGA[C>T]CACAGCGAACTGCACACAGCGACGGTGGGCAGGTGGTGCTCAGCCTGGACTCTGAGCCTT-3'
Protein context (NP_005046.2, residues 58-78): RYKEMLKFAV[Val68Ile]QIDTARELED